The following is an entry in ClinVar:

ClinVar aggregate classification (germline): Uncertain significance. Review status: criteria provided, multiple submitters, no conflicts (2 of 4 stars). 2 submissions from 2 submitters: Uncertain significance (2). Last evaluated 2025-12-11.

Conditions:
Inborn genetic diseases. Identifiers: MedGen C0950123, MeSH D030342.

Allele frequency attached by ClinVar (database versions not stated): gnomAD exomes 0.00001; TOPMed below 0.00001; ExAC 0.00001; gnomAD 0.00001.
gnomAD v4.1: 15 of 1,608,242 alleles (0.00093%); highest among the groups gnomAD compares: South Asian, 0.013%; no homozygotes.

Submissions (2):

Ambry Genetics
Classification: Uncertain significance for Inborn genetic diseases. Last evaluated: 2025-12-11. Review status: criteria provided, single submitter. Criteria: Ambry Variant Classification Scheme 2023. Collection method: clinical testing. Allele origin: germline.

Labcorp Genetics (formerly Invitae), Labcorp
Classification: Uncertain significance. Last evaluated: 2022-02-02. Review status: criteria provided, single submitter. Criteria: Invitae Variant Classification Sherloc (09022015). Collection method: clinical testing. Allele origin: germline.
Comment: This sequence change replaces proline, which is neutral and non-polar, with leucine, which is neutral and non-polar, at codon 200 of the BLOC1S3 protein (p.Pro200Leu). This variant is present in population databases (rs775350825, gnomAD 0.007%). This variant has not been reported in the literature in individuals affected with BLOC1S3-related conditions. Algorithms developed to predict the effect of missense changes on protein structure and function are either unavailable or do not agree on the potential impact of this missense change (SIFT: "Deleterious"; PolyPhen-2: "Possibly Damaging"; Align-GVGD: "Class C0"). In summary, the available evidence is currently insufficient to determine the role of this variant in disease. Therefore, it has been classified as a Variant of Uncertain Significance.

NM_212550.5(BLOC1S3):c.599C>T (p.Pro200Leu)

Gene: BLOC1S3 (biogenesis of lysosomal organelles complex 1 subunit 3; plus strand). Cytogenetic location: 19q13.32.
Variant type: single nucleotide variant.
Coding change: c.599C>T on transcript NM_212550.5 (MANE Select); coding-DNA position 599, C replaced by T.
Protein change: p.Pro200Leu; replaces proline 200 with leucine.
Molecular consequence: missense variant.
Genome position (GRCh38, 1-based): chr19:45,179,895, C>T. VCF-style: chr19-45179895-C-T. GRCh37 (hg19) VCF-style: chr19-45683153-C-T.
Other names: c.599C>T (NM_212550.3); short protein forms P200L.
Identifiers: ClinVar variation 1420793 (VCV001420793.7), dbSNP rs775350825, ClinGen allele CA9510284.